The following is an entry in ClinVar:

ClinVar aggregate classification (germline): Uncertain significance (1 of 4 stars; one submission).

Conditions:
Polyglucosan body myopathy type 1 (PGBM1). Also called: Polyglucosan body myopathy 1 with or without immunodeficiency; POLYGLUCOSAN BODY MYOPATHY WITHOUT IMMUNODEFICIENCY. Identifiers: Orphanet 329173, Orphanet 397937, MedGen C4014605, MONDO:0014389, OMIM 615895.

Allele frequency attached by ClinVar (database versions not stated): gnomAD 0.00001.
gnomAD v4.1: 6 of 1,564,884 alleles (0.00038%); highest among the groups gnomAD compares: Non-Finnish European, 0.00052%; no homozygotes.

Submission:

Labcorp Genetics (formerly Invitae), Labcorp
Classification: Uncertain significance for Polyglucosan body myopathy type 1. Last evaluated: 2024-02-24. Review status: criteria provided, single submitter. Criteria: Invitae Variant Classification Sherloc (09022015). Collection method: clinical testing. Allele origin: germline.
Comment: This sequence change replaces glycine, which is neutral and non-polar, with serine, which is neutral and polar, at codon 292 of the RBCK1 protein (p.Gly292Ser). The frequency data for this variant in the population databases is considered unreliable, as metrics indicate poor data quality at this position in the gnomAD database. This variant has not been reported in the literature in individuals affected with RBCK1-related conditions. ClinVar contains an entry for this variant (Variation ID: 1931915). Advanced modeling of protein sequence and biophysical properties (such as structural, functional, and spatial information, amino acid conservation, physicochemical variation, residue mobility, and thermodynamic stability) performed at Invitae indicates that this missense variant is expected to disrupt RBCK1 protein function with a positive predictive value of 80%. In summary, the available evidence is currently insufficient to determine the role of this variant in disease. Therefore, it has been classified as a Variant of Uncertain Significance.

NM_031229.4(RBCK1):c.874G>A (p.Gly292Ser)

Gene: RBCK1 (RANBP2-type and C3HC4-type zinc finger containing 1; plus strand). Cytogenetic location: 20p13.
Variant type: single nucleotide variant.
Coding change: c.874G>A on transcript NM_031229.4 (MANE Select); coding-DNA position 874, G replaced by A.
Protein change: p.Gly292Ser; replaces glycine 292 with serine.
Molecular consequence: missense variant. On other transcripts: non-coding transcript variant (1), intron variant (2).
Genome position (GRCh38, 1-based): chr20:420,988, G>A. VCF-style: chr20-420988-G-A. GRCh37 (hg19) VCF-style: chr20-401632-G-A.
Other names: c.925G>A, p.Gly309Ser (NM_001410770.1); c.748G>A, p.Gly250Ser (NM_006462.6); c.408-1139G>A (NM_001323956.2, NM_001323958.2); short protein forms G309S, G292S, G250S.
Identifiers: ClinVar variation 1931915 (VCV001931915.5), dbSNP rs1184217493, ClinGen allele CA407928460.